The following is an entry in ClinVar:

ClinVar aggregate classification (germline): Uncertain significance (1 of 4 stars; one submission).

Conditions:
Congenital contractural arachnodactyly (CCA). Also called: BEALS SYNDROME; Arthrogryposis, distal, type 9; Beals-Hecht syndrome. Identifiers: Orphanet 115, MedGen C0220668, MONDO:0007363, OMIM 121050.

Submission:

Labcorp Genetics (formerly Invitae), Labcorp
Classification: Uncertain significance for Congenital contractural arachnodactyly. Last evaluated: 2025-08-02. Review status: criteria provided, single submitter. Criteria: Invitae Variant Classification Sherloc (09022015). Collection method: clinical testing. Allele origin: germline.
Comment: This sequence change replaces glycine, which is neutral and non-polar, with serine, which is neutral and polar, at codon 2158 of the FBN2 protein (p.Gly2158Ser). This variant is not present in population databases (gnomAD no frequency). This variant has not been reported in the literature in individuals affected with FBN2-related conditions. Invitae Evidence Modeling of protein sequence and biophysical properties (such as structural, functional, and spatial information, amino acid conservation, physicochemical variation, residue mobility, and thermodynamic stability) indicates that this missense variant is expected to disrupt FBN2 protein function with a positive predictive value of 80%. In summary, the available evidence is currently insufficient to determine the role of this variant in disease. Therefore, it has been classified as a Variant of Uncertain Significance.

NM_001999.4(FBN2):c.6472G>A (p.Gly2158Ser)

Gene: FBN2 (fibrillin 2; minus strand). Cytogenetic location: 5q23.3.
Variant type: single nucleotide variant.
Coding change: c.6472G>A on transcript NM_001999.4 (MANE Select); coding-DNA position 6472, G replaced by A.
Protein change: p.Gly2158Ser; replaces glycine 2158 with serine.
Molecular consequence: missense variant.
Genome position (GRCh38, 1-based): chr5:128,289,921, C>T on the plus strand (G>A on the coding strand, the complement: FBN2 is on the minus strand). VCF-style: chr5-128289921-C-T. GRCh37 (hg19) VCF-style: chr5-127625613-C-T.
Other names: short protein forms G2158S.
Identifiers: ClinVar variation 4771353 (VCV004771353.1).
Genomic context (GRCh38, chr5:128,289,921, plus strand): 5'-ATAAAATATATCAAAGCGTACCTTCACGTGTATCATGAAGACTAGGGACAGTTCCATGGC[C>T]ATATGGACACAAATCCTGAAATGCAACTACAAAGAAAAATACAAATTCTCCATTATTGAA-3'
Protein context (NP_001990.2, residues 2148-2168): EVAFQDLCPY[Gly2158Ser]HGTVPSLHDT